The following is an entry in ClinVar:

NM_000548.5(TSC2):c.482-4C>A

Gene: TSC2 (TSC complex subunit 2; plus strand). Cytogenetic location: 16p13.3.
Variant type: single nucleotide variant.
Coding change: c.482-4C>A on transcript NM_000548.5 (MANE Select); 4 bases into the intron before coding-DNA position 482, C replaced by A.
Molecular consequence: intron variant.
Genome position (GRCh38, 1-based): chr16:2,055,398, C>A. VCF-style: chr16-2055398-C-A. GRCh37 (hg19) VCF-style: chr16-2105399-C-A.
Other names: c.482-4C>A (NM_001114382.3, NM_021055.3, NM_001370405.1 and 3 more transcripts); c.371-4C>A (NM_001318827.2); c.-1-798C>A (NM_001318831.2); c.335-4C>A (NM_001318829.2); c.515-4C>A (NM_001318832.2).
Identifiers: ClinVar variation 1743379 (VCV001743379.2), dbSNP rs780938957, ClinGen allele CA2580090670.

ClinVar aggregate classification (germline): Uncertain significance (1 of 4 stars; one submission).

Conditions:
Hereditary cancer-predisposing syndrome. Also called: Hereditary Cancer Syndrome; Neoplastic Syndromes, Hereditary; Tumor predisposition; Hereditary neoplastic syndrome. Identifiers: Orphanet 140162, MedGen C0027672, MeSH D009386, MONDO:0015356.

Submission:

Ambry Genetics
Classification: Uncertain significance for Hereditary cancer-predisposing syndrome. Last evaluated: 2022-05-24. Review status: criteria provided, single submitter. Criteria: Ambry Variant Classification Scheme 2023. Collection method: clinical testing. Allele origin: germline.
Comment: The c.482-4C>A intronic variant results from a C to A substitution 4 nucleotides upstream from coding exon 5 in the TSC2 gene. This nucleotide position is not well conserved in available vertebrate species. In silico splice site analysis for this alteration is inconclusive, and direct evidence is insufficient at this time (Ambry internal data). Since supporting evidence is limited at this time, the clinical significance of this alteration remains unclear.